The following is an entry in ClinVar:

NM_000789.4(ACE):c.2049C>A (p.Ser683Arg)

Gene: ACE (angiotensin I converting enzyme; plus strand). Cytogenetic location: 17q23.3.
Variant type: single nucleotide variant.
Coding change: c.2049C>A on transcript NM_000789.4 (MANE Select); coding-DNA position 2049, C replaced by A.
Protein change: p.Ser683Arg; replaces serine 683 with arginine.
Molecular consequence: missense variant. On other transcripts: 5 prime UTR variant (1), non-coding transcript variant (1).
Genome position (GRCh38, 1-based): chr17:63,485,363, C>A. VCF-style: chr17-63485363-C-A. GRCh37 (hg19) VCF-style: chr17-61562724-C-A.
Other names: c.327C>A, p.Ser109Arg (NM_001178057.2, NM_152830.3); c.1482C>A, p.Ser494Arg (NM_001382700.1); c.1197C>A, p.Ser399Arg (NM_001382701.1); c.-22C>A (NM_001382702.1); short protein forms S109R, S399R, S494R, S683R.
Identifiers: ClinVar variation 974412 (VCV000974412.7), dbSNP rs148491967, ClinGen allele CA8699862.

ClinVar aggregate classification (germline): Conflicting classifications of pathogenicity. Review status: criteria provided, conflicting classifications (1 of 4 stars). 4 submissions from 4 submitters: Likely pathogenic (1); Uncertain significance (3). Last evaluated 2024-10-24.

Conditions:
Hemorrhage, intracerebral, susceptibility to (ICH). Also called: Stroke, hemorrhagic, susceptibility to. Identifiers: MedGen C3281105, MONDO:0100533, OMIM 614519.
Microvascular complications of diabetes, susceptibility to, 3. Identifiers: MedGen C2675470, MONDO:0012963, OMIM 612624.
Renal tubular dysgenesis of genetic origin. Also called: PRIMITIVE RENAL TUBULE SYNDROME. Identifiers: Orphanet 97369, MedGen C5681536, MONDO:0009970, OMIM 267430.
Renal tubular dysgenesis. Also called: Renotubular dysgenesis. Identifiers: Orphanet 3033, MedGen C0266313, MONDO:0017609, HP:0008660.

Allele frequency attached by ClinVar (database versions not stated): ESP Exome Variant Server 0.00031.
gnomAD v4.1: 267 of 1,614,078 alleles (0.017%); highest among the groups gnomAD compares: Non-Finnish European, 0.022%; no homozygotes.

Submissions (4):

Blueprint Genetics
Classification: Uncertain significance. Last evaluated: 2024-10-24. Review status: criteria provided, single submitter. Criteria: ACMG Guidelines, 2015. Collection method: clinical testing. Allele origin: germline.

Labcorp Genetics (formerly Invitae), Labcorp
Classification: Uncertain significance. Last evaluated: 2024-10-22. Review status: criteria provided, single submitter. Criteria: Invitae Variant Classification Sherloc (09022015). Collection method: clinical testing. Allele origin: germline.
Comment: This sequence change replaces serine, which is neutral and polar, with arginine, which is basic and polar, at codon 683 of the ACE protein (p.Ser683Arg). This variant is present in population databases (rs148491967, gnomAD 0.02%). This missense change has been observed in individual(s) with renal tubular dysgenesis (PMID: 33532864). ClinVar contains an entry for this variant (Variation ID: 974412). Invitae Evidence Modeling of protein sequence and biophysical properties (such as structural, functional, and spatial information, amino acid conservation, physicochemical variation, residue mobility, and thermodynamic stability) indicates that this missense variant is not expected to disrupt ACE protein function with a negative predictive value of 80%. In summary, the available evidence is currently insufficient to determine the role of this variant in disease. Therefore, it has been classified as a Variant of Uncertain Significance.

Fulgent Genetics
Classification: Uncertain significance for Renal tubular dysgenesis of genetic origin; Microvascular complications of diabetes, susceptibility to, 3; Hemorrhage, intracerebral, susceptibility to. Last evaluated: 2024-05-16. Review status: criteria provided, single submitter. Criteria: ACMG Guidelines, 2015. Collection method: clinical testing. Allele origin: germline.

Molecular Biology Laboratory, Fundació Puigvert
Classification: Likely pathogenic for Renal tubular dysgenesis of genetic origin. Last evaluated: 2020-02-01. Review status: criteria provided, single submitter. Criteria: ACMG Guidelines, 2015. Collection method: research. Allele origin: inherited. Affected: yes. Study: KidneyPanel_2020.

Literature cited by the submitters: PubMed 33532864 (cited by Labcorp Genetics (formerly Invitae), Labcorp and Molecular Biology Laboratory, Fundació Puigvert).